The following is an entry in ClinVar:

ClinVar aggregate classification (germline): Benign/Likely benign. Review status: criteria provided, multiple submitters, no conflicts (2 of 4 stars). 4 submissions from 4 submitters: Benign (2); Likely benign (1). 1 of the submissions does not count toward it. Last evaluated 2025-09-17.

Conditions:
PITRM1-related disorder. Also called: PITRM1-related condition.

Allele frequency attached by ClinVar (database versions not stated): gnomAD 0.00010 and 0.00017; TOPMed 0.00012; 1000 Genomes Project 30x 0.00016; 1000 Genomes Project 0.00020; gnomAD exomes 0.00025; ExAC 0.00060.

Submissions (5):

Labcorp Genetics (formerly Invitae), Labcorp
Classification: Benign. Last evaluated: 2025-09-17. Review status: criteria provided, single submitter. Criteria: Invitae Variant Classification Sherloc (09022015). Collection method: clinical testing. Allele origin: germline.

Blueprint Genetics
Classification: Likely benign. Last evaluated: 2024-10-16. Review status: criteria provided, single submitter. Criteria: ACMG Guidelines, 2015. Collection method: clinical testing. Allele origin: germline.

Breakthrough Genomics
Classification: Benign. Review status: criteria provided, single submitter. Criteria: ACMG Guidelines, 2015. Collection method: not provided. Allele origin: germline. Inheritance: Autosomal recessive inheritance. Affected: yes.

PreventionGenetics, part of Exact Sciences
Classification: Likely benign for PITRM1-related condition. Last evaluated: 2023-01-12. Review status: no assertion criteria provided. Collection method: clinical testing. Allele origin: germline. Not counted in ClinVar's aggregate classification.
Comment: This variant is classified as likely benign based on ACMG/AMP sequence variant interpretation guidelines (Richards et al. 2015 PMID: 25741868, with internal and published modifications).

Dr. Peter K. Rogan Lab, Western University
No classification provided (evidence only). Condition: Gastric cancer. Review status: no classification provided. Collection method: in vitro. Allele origin: not applicable. Functional consequence: retained intron. Not counted in ClinVar's aggregate classification.

NM_014889.4(PITRM1):c.2709C>T (p.Gly903=)

Gene: PITRM1 (pitrilysin metallopeptidase 1; minus strand). Cytogenetic location: 10p15.2.
Variant type: single nucleotide variant.
Coding change: c.2709C>T on transcript NM_014889.4 (MANE Select); coding-DNA position 2709, C replaced by T.
Protein change: p.Gly903=; no amino-acid change (glycine 903 retained).
Molecular consequence: synonymous variant. On other transcripts: non-coding transcript variant (4).
Genome position (GRCh38, 1-based): chr10:3,140,749, G>A on the plus strand (C>T on the coding strand, the complement: PITRM1 is on the minus strand). VCF-style: chr10-3140749-G-A. GRCh37 (hg19) VCF-style: chr10-3182941-G-A.
Other names: c.2712C>T, p.Gly904= (NM_001242307.2); c.2511C>T, p.Gly837= (NM_001347725.2); c.1896C>T, p.Gly632= (NM_001347726.2); c.2094C>T, p.Gly698= (NM_001347727.2); c.1404C>T, p.Gly468= (NM_001347728.2); c.2685C>T, p.Gly895= (NM_001347729.1); c.2487C>T, p.Gly829= (NM_001347730.1); c.2712C>T (NM_001242307.1); and 1 more.
Identifiers: ClinVar variation 714094 (VCV000714094.13), dbSNP rs548760819, ClinGen allele CA5387250.